The following is an entry in ClinVar:

NM_001354930.2(RIPK1):c.1186A>G (p.Lys396Glu)

Gene: RIPK1 (receptor interacting serine/threonine kinase 1; plus strand). Cytogenetic location: 6p25.2.
Variant type: single nucleotide variant.
Coding change: c.1186A>G on transcript NM_001354930.2 (MANE Select); coding-DNA position 1186, A replaced by G.
Protein change: p.Lys396Glu; replaces lysine 396 with glutamic acid.
Molecular consequence: missense variant.
Genome position (GRCh38, 1-based): chr6:3,105,661, A>G. VCF-style: chr6-3105661-A-G. GRCh37 (hg19) VCF-style: chr6-3105895-A-G.
Other names: c.697A>G, p.Lys233Glu (NM_001317061.3, NM_001354932.2, NM_001354933.2 and 1 more transcripts); c.1048A>G, p.Lys350Glu (NM_001354931.2); c.1186A>G, p.Lys396Glu (NM_003804.6); short protein forms K233E, K350E, K396E.
Identifiers: ClinVar variation 1718860 (VCV001718860.5), dbSNP rs2533342862, ClinGen allele CA362571745.
Genomic context (GRCh38, chr6:3,105,661, plus strand): 5'-AGTAAACTCCAAGACGAAGCCAACTACCATCTTTATGGCAGCCGCATGGACAGGCAGACG[A>G]AACAGCAGCCCAGACAGAATGTGGCTTACAACAGAGAGGAGGAAAGGAGACGCAGGGTCT-3'
Protein context (NP_001341859.1, residues 386-406): LYGSRMDRQT[Lys396Glu]QQPRQNVAYN

ClinVar aggregate classification (germline): Uncertain significance (1 of 4 stars; one submission).

Submission:

Labcorp Genetics (formerly Invitae), Labcorp
Classification: Uncertain significance. Last evaluated: 2023-06-17. Review status: criteria provided, single submitter. Criteria: Invitae Variant Classification Sherloc (09022015). Collection method: clinical testing. Allele origin: germline.
Comment: In summary, the available evidence is currently insufficient to determine the role of this variant in disease. Therefore, it has been classified as a Variant of Uncertain Significance. Algorithms developed to predict the effect of missense changes on protein structure and function output the following: SIFT: "Not Available"; PolyPhen-2: "Benign"; Align-GVGD: "Not Available". The glutamic acid amino acid residue is found in multiple mammalian species, which suggests that this missense change does not adversely affect protein function. ClinVar contains an entry for this variant (Variation ID: 1718860). This variant has not been reported in the literature in individuals affected with RIPK1-related conditions. This variant is not present in population databases (gnomAD no frequency). This sequence change replaces lysine, which is basic and polar, with glutamic acid, which is acidic and polar, at codon 396 of the RIPK1 protein (p.Lys396Glu).